The following is an entry in ClinVar:

ClinVar aggregate classification (germline): Likely benign (1 of 4 stars; one submission).

Submission:

Women's Health and Genetics/Laboratory Corporation of America, LabCorp
Classification: Likely benign. Last evaluated: 2025-12-29. Review status: criteria provided, single submitter. Criteria: LabCorp Variant Classification Summary - May 2015. Collection method: clinical testing. Allele origin: germline.
Comment: Variant summary: EEF1A2 c.1030-26_1030-16del11 located at a position not widely known to affect splicing. Consensus agreement among computation tools predict no significant impact on normal splicing. However, these predictions have yet to be confirmed by functional studies. The variant was absent in 244518 control chromosomes (gnomAD). The available data on variant occurrences in the general population are insufficient to allow any conclusion about variant significance. To our knowledge, no occurrence of c.1030-26_1030-16del11 in individuals affected with EEF1A2-related conditions and no experimental evidence demonstrating its impact on protein function have been reported. No submitters have cited clinical-significance assessments for this variant to ClinVar. Based on the evidence outlined above, the variant was classified as likely benign.

NM_001958.5(EEF1A2):c.1030-26_1030-16del

Gene: EEF1A2 (eukaryotic translation elongation factor 1 alpha 2; minus strand). Cytogenetic location: 20q13.33.
Variant type: Deletion.
Coding change: c.1030-26_1030-16del on transcript NM_001958.5 (MANE Select); 26 bases into the intron before coding-DNA position 1030 through 16 bases into the intron before coding-DNA position 1030, 11 bases deleted (ATGGCCGCCTG).
Molecular consequence: intron variant.
Genome position (GRCh38, 1-based): chr20:63,489,168-63,489,178, CAGGCGGCCAT deleted on the plus strand (ATGGCCGCCTG on the coding strand, the reverse complement: EEF1A2 is on the minus strand); deleting any 11 consecutive bases within chr20:63,489,168-63,489,183 gives the same sequence; the c. name uses the placement nearest the transcript's 3' end. VCF-style (leftmost placement, unchanged base first): chr20-63489167-ACAGGCGGCCAT-A. GRCh37 (hg19) VCF-style: chr20-62120520-ACAGGCGGCCAT-A.
Other names: c.1030-26_1030-16del11 (NM_001958.5).
Identifiers: ClinVar variation 4688743 (VCV004688743.1).